The following is an entry in ClinVar:

ClinVar aggregate classification (germline): Uncertain significance (1 of 4 stars; one submission).

Conditions:
DOCK2 deficiency. Also called: Immunodeficiency 40. Identifiers: Orphanet 447737, MedGen C4225328, MONDO:0014637, OMIM 616433.

Submission:

Labcorp Genetics (formerly Invitae), Labcorp
Classification: Uncertain significance for DOCK2 deficiency. Last evaluated: 2022-08-03. Review status: criteria provided, single submitter. Criteria: Invitae Variant Classification Sherloc (09022015). Collection method: clinical testing. Allele origin: unknown.
Comment: This variant has not been reported in the literature in individuals affected with DOCK2-related conditions. A copy number gain of the genomic region encompassing the full coding sequence of the DOCK2 gene has been identified. The boundaries of this event are unknown as they extend beyond the assayed region for this gene and therefore may encompass additional genes. As the precise location of this event is unknown, it may be in tandem or it may be located elsewhere in the genome. In summary, the available evidence is currently insufficient to determine the role of this variant in disease. Therefore, it has been classified as a Variant of Uncertain Significance.

NC_000005.9:g.(?_169064331)_(170245847_?)dup

Genes: C5orf58 (chromosome 5 open reading frame 58; plus strand), DOCK2 (dedicator of cytokinesis 2; plus strand), FOXI1 (forkhead box I1; plus strand), GABRP (gamma-aminobutyric acid type A receptor subunit pi; plus strand), INSYN2B (inhibitory synaptic factor family member 2B; minus strand) and 4 more. Cytogenetic location: 5q35.1.
Variant type: Duplication.
Identifiers: ClinVar variation 3246414 (VCV003246414.1).